The following is an entry in ClinVar:

ClinVar aggregate classification (germline): Uncertain significance. Review status: criteria provided, multiple submitters, no conflicts (2 of 4 stars). 2 submissions from 2 submitters: Uncertain significance (2). Last evaluated 2025-05-19.

Conditions:
Medium-chain acyl-coenzyme A dehydrogenase deficiency (ACADMD). Also called: ACADM DEFICIENCY; CARNITINE DEFICIENCY SECONDARY TO MEDIUM-CHAIN ACYL-CoA DEHYDROGENASE DEFICIENCY; MCADH DEFICIENCY; MCADD; Medium chain acyl-CoA dehydrogenase deficiency; MCAD Deficiency. Identifiers: Orphanet 42, MedGen C0220710, MONDO:0008721, OMIM 201450.

Allele frequency attached by ClinVar (database versions not stated): gnomAD exomes below 0.00001.
gnomAD v4.1: 5 of 1,614,060 alleles (0.00031%); highest among the groups gnomAD compares: South Asian, 0.0055%; no homozygotes.

Submissions (2):

Women's Health and Genetics/Laboratory Corporation of America, LabCorp
Classification: Uncertain significance. Last evaluated: 2025-05-19. Review status: criteria provided, single submitter. Criteria: LabCorp Variant Classification Summary - May 2015. Collection method: clinical testing. Allele origin: germline.
Comment: Variant summary: ACADM c.806G>A (p.Gly269Asp) results in a non-conservative amino acid change in the encoded protein sequence. Algorithms developed to predict the effect of missense changes on protein structure and function all suggest that this variant is likely to be disruptive. The variant allele was found at a frequency of 8e-06 in 251350 control chromosomes. The available data on variant occurrences in the general population are insufficient to allow any conclusion about variant significance. c.806G>A has been observed in an individual affected with Medium Chain Acyl-CoA Dehydrogenase Deficiency (Hsu_2008). These data do not allow any conclusion about variant significance. To our knowledge, no experimental evidence demonstrating an impact on protein function has been reported. The following publication has been ascertained in the context of this evaluation (PMID: 18450854). ClinVar contains an entry for this variant (Variation ID: 2438806). Based on the evidence outlined above, the variant was classified as uncertain significance.

Revvity Omics, Revvity
Classification: Uncertain significance for Medium-chain acyl-coenzyme A dehydrogenase deficiency. Last evaluated: 2022-07-22. Review status: criteria provided, single submitter. Criteria: ACMG Guidelines, 2015. Collection method: clinical testing. Allele origin: germline.

Literature cited by the submitters: PubMed 18450854 (cited by Women's Health and Genetics/Laboratory Corporation of America, LabCorp).

NM_000016.6(ACADM):c.806G>A (p.Gly269Asp)

Gene: ACADM (acyl-CoA dehydrogenase medium chain; plus strand). Cytogenetic location: 1p31.1.
Variant type: single nucleotide variant.
Coding change: c.806G>A on transcript NM_000016.6 (MANE Select); coding-DNA position 806, G replaced by A.
Protein change: p.Gly269Asp; replaces glycine 269 with aspartic acid.
Molecular consequence: missense variant.
Genome position (GRCh38, 1-based): chr1:75,749,516, G>A. VCF-style: chr1-75749516-G-A. GRCh37 (hg19) VCF-style: chr1-76215201-G-A.
Other names: c.818G>A, p.Gly273Asp (NM_001127328.3); c.698G>A, p.Gly233Asp (NM_001286042.2); c.905G>A, p.Gly302Asp (NM_001286043.2); c.239G>A, p.Gly80Asp (NM_001286044.2); short protein forms G233D, G269D, G273D, G302D, G80D.
Identifiers: ClinVar variation 2438806 (VCV002438806.4), dbSNP rs1325021328, ClinGen allele CA340816735.